The following is an entry in ClinVar:

ClinVar aggregate classification (germline): Uncertain significance (1 of 4 stars; one submission).

Submission:

Labcorp Genetics (formerly Invitae), Labcorp
Classification: Uncertain significance. Last evaluated: 2022-09-10. Review status: criteria provided, single submitter. Criteria: Invitae Variant Classification Sherloc (09022015). Collection method: clinical testing. Allele origin: germline.
Comment: In summary, the available evidence is currently insufficient to determine the role of this variant in disease. Therefore, it has been classified as a Variant of Uncertain Significance. Advanced modeling of protein sequence and biophysical properties (such as structural, functional, and spatial information, amino acid conservation, physicochemical variation, residue mobility, and thermodynamic stability) performed at Invitae indicates that this missense variant is expected to disrupt C3 protein function. This variant has not been reported in the literature in individuals affected with C3-related conditions. This variant is not present in population databases (gnomAD no frequency). This sequence change replaces leucine, which is neutral and non-polar, with phenylalanine, which is neutral and non-polar, at codon 795 of the C3 protein (p.Leu795Phe).

NM_000064.4(C3):c.2385G>C (p.Leu795Phe)

Gene: C3 (complement C3; minus strand). Cytogenetic location: 19p13.3.
Variant type: single nucleotide variant.
Coding change: c.2385G>C on transcript NM_000064.4 (MANE Select); coding-DNA position 2385, G replaced by C.
Protein change: p.Leu795Phe; replaces leucine 795 with phenylalanine.
Molecular consequence: missense variant.
Genome position (GRCh38, 1-based): chr19:6,702,182, C>G on the plus strand (G>C on the coding strand, the complement: C3 is on the minus strand). VCF-style: chr19-6702182-C-G. GRCh37 (hg19) VCF-style: chr19-6702193-C-G.
Other names: short protein forms L795F.
Identifiers: ClinVar variation 2000476 (VCV002000476.4), dbSNP rs2512253487, ClinGen allele CA403635031.